The following is an entry in ClinVar:

NM_007192.4(SUPT16H):c.1475_1481del (p.Arg492fs)

Gene: SUPT16H (SPT16 homolog, facilitates chromatin remodeling subunit; minus strand). Cytogenetic location: 14q11.2.
Variant type: Deletion.
Coding change: c.1475_1481del on transcript NM_007192.4 (MANE Select); coding-DNA positions 1475 to 1481, 7 bases deleted (GATTGAC; older notation c.1475_1481delGATTGAC).
Protein change: p.Arg492fs; shifts the reading frame from arginine 492.
Molecular consequence: frameshift variant.
Genome position (GRCh38, 1-based): chr14:21,363,064-21,363,070, GTCAATC deleted on the plus strand (GATTGAC on the coding strand, the reverse complement: SUPT16H is on the minus strand); deleting any 7 consecutive bases within chr14:21,363,064-21,363,071 gives the same sequence; the c. name uses the placement nearest the transcript's 3' end. VCF-style (leftmost placement, unchanged base first): chr14-21363063-AGTCAATC-A. GRCh37 (hg19) VCF-style: chr14-21831222-AGTCAATC-A.
Other names: short protein forms R492fs.
Identifiers: ClinVar variation 4845369 (VCV004845369.1).

ClinVar aggregate classification (germline): Pathogenic (1 of 4 stars; one submission).

Conditions:
Neurodevelopmental disorder with dysmorphic facies and thin corpus callosum. Identifiers: MedGen C5551361, MONDO:0859179, OMIM 619480.

Submission:

Institute of Human Genetics, University of Leipzig Medical Center
Classification: Pathogenic for Neurodevelopmental disorder with dysmorphic facies and thin corpus callosum. Last evaluated: 2026-03-05. Review status: criteria provided, single submitter. Criteria: ACMG Guidelines, 2015. Collection method: clinical testing. Allele origin: unknown. Inheritance: Autosomal dominant inheritance. Affected: yes.
Comment: Criteria applied: PVS1,PM2